The following is an entry in ClinVar:

NM_002223.4(ITPR2):c.4134G>C (p.Leu1378=)

Gene: ITPR2 (inositol 1,4,5-trisphosphate receptor type 2; minus strand). Cytogenetic location: 12p11.23.
Variant type: single nucleotide variant.
Coding change: c.4134G>C on transcript NM_002223.4 (MANE Select); coding-DNA position 4134, G replaced by C.
Protein change: p.Leu1378=; no amino-acid change (leucine 1378 retained).
Molecular consequence: synonymous variant.
Genome position (GRCh38, 1-based): chr12:26,597,003, C>G on the plus strand (G>C on the coding strand, the complement: ITPR2 is on the minus strand). VCF-style: chr12-26597003-C-G. GRCh37 (hg19) VCF-style: chr12-26749936-C-G.
Other names: c.4131G>C, p.Leu1377= (NM_001414174.1); c.4134G>C, p.Leu1378= (NM_001414175.1).
Identifiers: ClinVar variation 2642804 (VCV002642804.24), dbSNP rs759162814, ClinGen allele CA6489087.
Genomic context (GRCh38, chr12:26,597,003, plus strand): 5'-ATTACACTTGATTTCAGTGTAGACATTTTTCCCCTCTGTGCATGCTGCCAGCAACTCCAC[C>G]AGGGTGATGTGGTAGGCTAAGGGGCCACTCTCATCCCCTCGGTCTCTCTCTGAACACATC-3'
Protein context (NP_002214.2, residues 1368-1388): ESGPLAYHIT[Leu1378=]VELLAACTEG

ClinVar aggregate classification (germline): Likely benign (1 of 4 stars; one submission).

Allele frequency attached by ClinVar (database versions not stated): ExAC 0.00002.
gnomAD v4.1: 4 of 1,613,764 alleles (0.00025%); highest among the groups gnomAD compares: Middle Eastern, 0.016%; no homozygotes.

Submission:

CeGaT Center for Human Genetics Tuebingen
Classification: Likely benign. Last evaluated: 2022-06-01. Review status: criteria provided, single submitter. Criteria: CeGaT Center For Human Genetics Tuebingen Variant Classification Criteria Version 2. Collection method: clinical testing. Allele origin: germline. Affected: yes. Observed: 1 variant allele.
Comment: ITPR2: BP4, BP7